The following is an entry in ClinVar:

ClinVar aggregate classification (germline): Conflicting classifications of pathogenicity. Review status: criteria provided, conflicting classifications (1 of 4 stars). 2 submissions from 2 submitters: Uncertain significance (1); Likely benign (1). Last evaluated 2024-08-19.

Conditions:
Vici syndrome (VICIS). Identifiers: Orphanet 1493, MedGen C1855772, MONDO:0009452, OMIM 242840.
Inborn genetic diseases. Identifiers: MedGen C0950123, MeSH D030342.

Allele frequency attached by ClinVar (database versions not stated): ExAC 0.00001; gnomAD 0.00002; TOPMed 0.00002; gnomAD exomes 0.00003; ESP Exome Variant Server 0.00008.
gnomAD v4.1: 51 of 1,532,218 alleles (0.0033%); highest among the groups gnomAD compares: Non-Finnish European, 0.0039%; no homozygotes.

Submissions (2):

Labcorp Genetics (formerly Invitae), Labcorp
Classification: Uncertain significance for Vici syndrome. Last evaluated: 2024-08-19. Review status: criteria provided, single submitter. Criteria: Invitae Variant Classification Sherloc (09022015). Collection method: clinical testing. Allele origin: germline.
Comment: This sequence change replaces lysine, which is basic and polar, with glutamic acid, which is acidic and polar, at codon 905 of the EPG5 protein (p.Lys905Glu). This variant is present in population databases (rs369921890, gnomAD 0.003%). This variant has not been reported in the literature in individuals affected with EPG5-related conditions. ClinVar contains an entry for this variant (Variation ID: 1910258). Invitae Evidence Modeling of protein sequence and biophysical properties (such as structural, functional, and spatial information, amino acid conservation, physicochemical variation, residue mobility, and thermodynamic stability) indicates that this missense variant is not expected to disrupt EPG5 protein function with a negative predictive value of 80%. In summary, the available evidence is currently insufficient to determine the role of this variant in disease. Therefore, it has been classified as a Variant of Uncertain Significance.

Ambry Genetics
Classification: Likely benign for Inborn genetic diseases. Last evaluated: 2022-12-19. Review status: criteria provided, single submitter. Criteria: Ambry Variant Classification Scheme 2023. Collection method: clinical testing. Allele origin: germline.

NM_020964.3(EPG5):c.2713A>G (p.Lys905Glu)

Gene: EPG5 (ectopic P-granules 5 autophagy tethering factor; minus strand). Cytogenetic location: 18q21.1.
Variant type: single nucleotide variant.
Coding change: c.2713A>G on transcript NM_020964.3 (MANE Select); coding-DNA position 2713, A replaced by G.
Protein change: p.Lys905Glu; replaces lysine 905 with glutamic acid.
Molecular consequence: missense variant.
Genome position (GRCh38, 1-based): chr18:45,925,743, T>C on the plus strand (A>G on the coding strand, the complement: EPG5 is on the minus strand). VCF-style: chr18-45925743-T-C. GRCh37 (hg19) VCF-style: chr18-43505709-T-C.
Other names: c.2713A>G, p.Lys905Glu (NM_001410858.1, NM_001410859.1); short protein forms K905E.
Identifiers: ClinVar variation 1910258 (VCV001910258.5), dbSNP rs369921890, ClinGen allele CA8949361.